The following is an entry in ClinVar:

ClinVar aggregate classification (germline): Uncertain significance (1 of 4 stars; one submission).

Conditions:
Deficiency of adenosine deaminase 2. Also called: Adenosine Deaminase 2 Deficiency; VASCULITIS, AUTOINFLAMMATION, IMMUNODEFICIENCY, AND HEMATOLOGIC DEFECTS SYNDROME; Polyarteritis nodosa, childhoood-onset. Identifiers: Orphanet 404553, MedGen C3887654, MONDO:0014306, OMIM 615688, MONDO:0100317.

Allele frequency attached by ClinVar (database versions not stated): gnomAD exomes below 0.00001.
gnomAD v4.1: 1 of 1,613,312 alleles (0.000062%); highest among the groups gnomAD compares: Non-Finnish European, 0.000085%; no homozygotes.

Submission:

Labcorp Genetics (formerly Invitae), Labcorp
Classification: Uncertain significance for Deficiency of adenosine deaminase 2. Last evaluated: 2022-02-06. Review status: criteria provided, single submitter. Criteria: Invitae Variant Classification Sherloc (09022015). Collection method: clinical testing. Allele origin: germline.
Comment: This variant is not present in population databases (gnomAD no frequency). In summary, the available evidence is currently insufficient to determine the role of this variant in disease. Therefore, it has been classified as a Variant of Uncertain Significance. Algorithms developed to predict the effect of missense changes on protein structure and function (SIFT, PolyPhen-2, Align-GVGD) all suggest that this variant is likely to be tolerated. ClinVar contains an entry for this variant (Variation ID: 849811). This variant has not been reported in the literature in individuals affected with ADA2-related conditions. This sequence change replaces threonine, which is neutral and polar, with serine, which is neutral and polar, at codon 330 of the ADA2 protein (p.Thr330Ser).

NM_001282225.2(ADA2):c.989C>G (p.Thr330Ser)

Gene: ADA2 (adenosine deaminase 2; minus strand). Cytogenetic location: 22q11.1.
Variant type: single nucleotide variant.
Coding change: c.989C>G on transcript NM_001282225.2 (MANE Select); coding-DNA position 989, C replaced by G.
Protein change: p.Thr330Ser; replaces threonine 330 with serine.
Molecular consequence: missense variant.
Genome position (GRCh38, 1-based): chr22:17,188,431, G>C on the plus strand (C>G on the coding strand, the complement: ADA2 is on the minus strand). VCF-style: chr22-17188431-G-C. GRCh37 (hg19) VCF-style: chr22-17669321-G-C.
Other names: c.989C>G, p.Thr330Ser (NM_001282226.2); c.863C>G, p.Thr288Ser (NM_001282227.2, NM_001282228.2); c.629C>G, p.Thr210Ser (NM_001282229.2); c.266C>G, p.Thr89Ser (NM_177405.3); short protein forms T288S, T89S, T210S, T330S.
Identifiers: ClinVar variation 849811 (VCV000849811.13), dbSNP rs2062065746, ClinGen allele CA410233516.